The following is an entry in ClinVar:

NM_015213.4(DENND5A):c.38G>C (p.Ser13Thr)

Genes: DENND5A (DENN domain containing 5A; minus strand), LOC130005268 (ATAC-STARR-seq lymphoblastoid silent region 3122; plus strand). Cytogenetic location: 11p15.4.
Variant type: single nucleotide variant.
Coding change: c.38G>C on transcript NM_015213.4 (MANE Select); coding-DNA position 38, G replaced by C.
Protein change: p.Ser13Thr; replaces serine 13 with threonine.
Molecular consequence: missense variant. On other transcripts: 5 prime UTR variant (1), non-coding transcript variant (1).
Genome position (GRCh38, 1-based): chr11:9,265,032, C>G on the plus strand (G>C on the coding strand, the complement: DENND5A is on the minus strand). VCF-style: chr11-9265032-C-G. GRCh37 (hg19) VCF-style: chr11-9286579-C-G.
Other names: c.38G>C, p.Ser13Thr (NM_001243254.2, NM_001348748.1, NM_001348749.2); c.-287G>C (NM_001348750.2); short protein forms S13T.
Identifiers: ClinVar variation 2088669 (VCV002088669.4), dbSNP rs2136315722, ClinGen allele CA379602007.

ClinVar aggregate classification (germline): Uncertain significance (1 of 4 stars; one submission).

Submission:

Labcorp Genetics (formerly Invitae), Labcorp
Classification: Uncertain significance. Last evaluated: 2022-01-21. Review status: criteria provided, single submitter. Criteria: Invitae Variant Classification Sherloc (09022015). Collection method: clinical testing. Allele origin: germline.
Comment: In summary, the available evidence is currently insufficient to determine the role of this variant in disease. Therefore, it has been classified as a Variant of Uncertain Significance. Algorithms developed to predict the effect of missense changes on protein structure and function (SIFT, PolyPhen-2, Align-GVGD) all suggest that this variant is likely to be tolerated. This variant has not been reported in the literature in individuals affected with DENND5A-related conditions. This variant is not present in population databases (gnomAD no frequency). This sequence change replaces serine, which is neutral and polar, with threonine, which is neutral and polar, at codon 13 of the DENND5A protein (p.Ser13Thr).